The following is an entry in ClinVar:

NM_001378418.1(TCF20):c.880C>T (p.Pro294Ser)

Gene: TCF20 (transcription factor 20; minus strand). Cytogenetic location: 22q13.2.
Variant type: single nucleotide variant.
Coding change: c.880C>T on transcript NM_001378418.1 (MANE Select); coding-DNA position 880, C replaced by T.
Protein change: p.Pro294Ser; replaces proline 294 with serine.
Molecular consequence: missense variant.
Genome position (GRCh38, 1-based): chr22:42,214,426, G>A on the plus strand (C>T on the coding strand, the complement: TCF20 is on the minus strand). VCF-style: chr22-42214426-G-A. GRCh37 (hg19) VCF-style: chr22-42610432-G-A.
Other names: c.880C>T, p.Pro294Ser (NM_005650.4, NM_181492.3); short protein forms P294S.
Identifiers: ClinVar variation 3002417 (VCV003002417.3), dbSNP rs761986071, ClinGen allele CA10267280.
Genomic context (GRCh38, chr22:42,214,426, plus strand): 5'-GCTGCCCCTGTTGGGTCCCTTGTGGAATCTTTGCCTGTTCAAAATTCTTCATAGATTGAG[G>A]CTGATAGCTGTAATTGGATTGTGTTCCATAAGCCTGTGCATTAGAACCCACATTGTGTCC-3'
Protein context (NP_001365347.1, residues 284-304): YGTQSNYSYQ[Pro294Ser]QSMKNFEQAK

ClinVar aggregate classification (germline): Uncertain significance (1 of 4 stars; one submission).

Allele frequency attached by ClinVar (database versions not stated): gnomAD 0.00003; gnomAD exomes below 0.00001; ExAC 0.00002; TOPMed 0.00006.
gnomAD v4.1: 9 of 1,614,016 alleles (0.00056%); highest among the groups gnomAD compares: African/African-American, 0.0067%; no homozygotes.

Submission:

Labcorp Genetics (formerly Invitae), Labcorp
Classification: Uncertain significance. Last evaluated: 2025-02-26. Review status: criteria provided, single submitter. Criteria: Invitae Variant Classification Sherloc (09022015). Collection method: clinical testing. Allele origin: germline.
Comment: This sequence change replaces proline, which is neutral and non-polar, with serine, which is neutral and polar, at codon 294 of the TCF20 protein (p.Pro294Ser). This variant is present in population databases (rs761986071, gnomAD 0.007%). This variant has not been reported in the literature in individuals affected with TCF20-related conditions. ClinVar contains an entry for this variant (Variation ID: 3002417). An algorithm developed to predict the effect of missense changes on protein structure and function outputs the following: PolyPhen-2: "Benign". The serine amino acid residue is found in multiple mammalian species, which suggests that this missense change does not adversely affect protein function. In summary, the available evidence is currently insufficient to determine the role of this variant in disease. Therefore, it has been classified as a Variant of Uncertain Significance.